The following is an entry in ClinVar:

NM_000540.3(RYR1):c.4816C>A (p.Arg1606Ser)

Gene: RYR1 (ryanodine receptor 1; plus strand). Cytogenetic location: 19q13.2.
Variant type: single nucleotide variant.
Coding change: c.4816C>A on transcript NM_000540.3 (MANE Select); coding-DNA position 4816, C replaced by A.
Protein change: p.Arg1606Ser; replaces arginine 1606 with serine.
Molecular consequence: missense variant.
Genome position (GRCh38, 1-based): chr19:38,483,398, C>A. VCF-style: chr19-38483398-C-A. GRCh37 (hg19) VCF-style: chr19-38974038-C-A.
Other names: c.4816C>A, p.Arg1606Ser (NM_001042723.2); short protein forms R1606S.
Identifiers: ClinVar variation 590542 (VCV000590542.5), dbSNP rs774316371, ClinGen allele CA405650530.
Genomic context (GRCh38, chr19:38,483,398, plus strand): 5'-CCGGCCCCGCAGTGCCCACCGCGGCTGGAGATGCAGATGCTGATGCCAGTGTCCTGGAGC[C>A]GCATGCCCAACCACTTCCTGCAGGTGGAGACGAGGCGTGCCGGCGAGCGGCTGGGCTGGG-3'
Protein context (NP_000531.2, residues 1596-1616): MQMLMPVSWS[Arg1606Ser]MPNHFLQVET

ClinVar aggregate classification (germline): Uncertain significance. Review status: criteria provided, multiple submitters, no conflicts (2 of 4 stars). 4 submissions from 4 submitters: Uncertain significance (4). Last evaluated 2025-09-09.

Conditions:
RYR1-related disorder. Also called: RYR1-related disorders; RYR1-related condition. Identifiers: MedGen CN239331.
Congenital multicore myopathy with external ophthalmoplegia (CMYO1B). Also called: MULTIMINICORE DISEASE WITH EXTERNAL OPHTHALMOPLEGIA; Congenital myopathy 1B, autosomal recessive; Minicore myopathy; Minicore myopathy with external ophthalmoplegia; MULTICORE MYOPATHY. Identifiers: Orphanet 598, Orphanet 98905, MedGen C1850674, MONDO:0009712, OMIM 255320, HP:0003789.
Malignant hyperthermia, susceptibility to, 1 (MHS1). Also called: Anesthesia related hyperthermia; Malignant hyperpyrexia; Fulminating hyperpyrexia; Pharmacogenic myopathy; RYR1-Related Malignant Hyperthermia Susceptibility; Malignant hyperthermia suceptibility 1. Identifiers: Orphanet 423, MedGen C2930980, MONDO:0007783, OMIM 145600.

gnomAD v4.1: 14 of 1,570,834 alleles (0.00089%); highest among the groups gnomAD compares: South Asian, 0.0082%; no homozygotes.

Submissions (4):

Color Diagnostics, LLC DBA Color Health
Classification: Uncertain significance for Malignant hyperthermia, susceptibility to, 1. Last evaluated: 2025-09-09. Review status: criteria provided, single submitter. Criteria: ACMG Guidelines, 2015. Collection method: clinical testing. Allele origin: germline.
Comment: This variant replaces arginine with serine at codon 1606 of the RYR1 protein. Computational prediction suggests that this variant may have deleterious impact on protein structure and function. To our knowledge, functional studies have not been reported for this variant. This variant has not been reported in individuals affected with malignant hyperthermia susceptibility in the literature. It has been observed in an individual with myopathy (PMID: 32236737). This variant has been identified in 1/183582 chromosomes in the general population by the Genome Aggregation Database (gnomAD). The available evidence is insufficient to determine the role of this variant in disease conclusively. Therefore, this variant is classified as a Variant of Uncertain Significance.

Labcorp Genetics (formerly Invitae), Labcorp
Classification: Uncertain significance for RYR1-Related Disorders. Last evaluated: 2018-10-22. Review status: criteria provided, single submitter. Criteria: Invitae Variant Classification Sherloc (09022015). Collection method: clinical testing. Allele origin: germline.
Comment: This sequence change replaces arginine with serine at codon 1606 of the RYR1 protein (p.Arg1606Ser). The arginine residue is highly conserved and there is a moderate physicochemical difference between arginine and serine. This variant is not present in population databases (ExAC no frequency). This variant has not been reported in the literature in individuals with RYR1-related disease. Algorithms developed to predict the effect of missense changes on protein structure and function are either unavailable or do not agree on the potential impact of this missense change (SIFT: "Deleterious"; PolyPhen-2: "Probably Damaging"; Align-GVGD: "Class C0"). In summary, the available evidence is currently insufficient to determine the role of this variant in disease. Therefore, it has been classified as a Variant of Uncertain Significance.

PreventionGenetics, part of Exact Sciences
Classification: Uncertain significance. Last evaluated: 2016-08-25. Review status: criteria provided, single submitter. Criteria: ACMG Guidelines, 2015. Collection method: clinical testing. Allele origin: germline.

Kasturba Medical College, Manipal, Kasturba Medical College, Manipal, Manipal Academy of Higher Education, Manipal, India
Classification: Uncertain significance for Congenital multicore myopathy with external ophthalmoplegia. Review status: criteria provided, single submitter. Criteria: ACMG Guidelines, 2015. Collection method: research. Allele origin: paternal. Inheritance: Autosomal recessive inheritance. Affected: yes.
Comment: This variant is observed in 14 individuals (allele frequency: 0.000008912) in heterozygous state in gnomAD (v4.1.0) and absent in our in-house data of 3801 exomes. This variant is listed in Clinvar as variant of uncertain significance by two submitters (Accession: VCV000590542.3). In silico prediction tools (CADD_phred, Revel) are consistent in predicting the variant to be damaging the RYR1 protein function.

Literature cited by the submitters: PubMed 32236737 (cited by Color Diagnostics, LLC DBA Color Health).